The following is an entry in ClinVar:

NM_005221.6(DLX5):c.814C>T (p.Pro272Ser)

Gene: DLX5 (distal-less homeobox 5; minus strand). Cytogenetic location: 7q21.3.
Variant type: single nucleotide variant.
Coding change: c.814C>T on transcript NM_005221.6 (MANE Select); coding-DNA position 814, C replaced by T.
Protein change: p.Pro272Ser; replaces proline 272 with serine.
Molecular consequence: missense variant.
Genome position (GRCh38, 1-based): chr7:97,020,792, G>A on the plus strand (C>T on the coding strand, the complement: DLX5 is on the minus strand). VCF-style: chr7-97020792-G-A. GRCh37 (hg19) VCF-style: chr7-96650104-G-A.
Other names: short protein forms P272S.
Identifiers: ClinVar variation 2965961 (VCV002965961.3), dbSNP rs2485515424, ClinGen allele CA368260501.

ClinVar aggregate classification (germline): Uncertain significance (1 of 4 stars; one submission).

Submission:

Labcorp Genetics (formerly Invitae), Labcorp
Classification: Uncertain significance. Last evaluated: 2023-09-05. Review status: criteria provided, single submitter. Criteria: Invitae Variant Classification Sherloc (09022015). Collection method: clinical testing. Allele origin: germline.
Comment: In summary, the available evidence is currently insufficient to determine the role of this variant in disease. Therefore, it has been classified as a Variant of Uncertain Significance. An algorithm developed to predict the effect of missense changes on protein structure and function (PolyPhen-2) suggests that this variant is likely to be tolerated. This variant has not been reported in the literature in individuals affected with DLX5-related conditions. This variant is not present in population databases (gnomAD no frequency). This sequence change replaces proline, which is neutral and non-polar, with serine, which is neutral and polar, at codon 272 of the DLX5 protein (p.Pro272Ser).